The following is an entry in ClinVar:

ClinVar aggregate classification (germline): Uncertain significance (1 of 4 stars; one submission).

Allele frequency attached by ClinVar (database versions not stated): TOPMed below 0.00001.
gnomAD v4.1: 1 of 1,614,176 alleles (0.000062%); highest among the groups gnomAD compares: East Asian, 0.0022%; no homozygotes.

Submission:

Labcorp Genetics (formerly Invitae), Labcorp
Classification: Uncertain significance. Last evaluated: 2022-02-10. Review status: criteria provided, single submitter. Criteria: Invitae Variant Classification Sherloc (09022015). Collection method: clinical testing. Allele origin: germline.
Comment: In summary, the available evidence is currently insufficient to determine the role of this variant in disease. Therefore, it has been classified as a Variant of Uncertain Significance. Algorithms developed to predict the effect of sequence changes on RNA splicing suggest that this variant may create or strengthen a splice site. Algorithms developed to predict the effect of missense changes on protein structure and function (SIFT, PolyPhen-2, Align-GVGD) all suggest that this variant is likely to be tolerated. This variant has not been reported in the literature in individuals affected with GNB3-related conditions. This variant is not present in population databases (gnomAD no frequency). This sequence change replaces glycine, which is neutral and non-polar, with valine, which is neutral and non-polar, at codon 131 of the GNB3 protein (p.Gly131Val).

NM_002075.4(GNB3):c.392G>T (p.Gly131Val)

Gene: GNB3 (G protein subunit beta 3; plus strand). Cytogenetic location: 12p13.31.
Variant type: single nucleotide variant.
Coding change: c.392G>T on transcript NM_002075.4 (MANE Select); coding-DNA position 392, G replaced by T.
Protein change: p.Gly131Val; replaces glycine 131 with valine.
Molecular consequence: missense variant.
Genome position (GRCh38, 1-based): chr12:6,843,487, G>T. VCF-style: chr12-6843487-G-T. GRCh37 (hg19) VCF-style: chr12-6952651-G-T.
Other names: c.392G>T, p.Gly131Val (NM_001297571.2); short protein forms G131V.
Identifiers: ClinVar variation 1346223 (VCV001346223.8), dbSNP rs1943615283, ClinGen allele CA383672598.